The following is an entry in ClinVar:

NM_007294.4(BRCA1):c.827C>T (p.Thr276Ile)

Gene: BRCA1 (BRCA1 DNA repair associated; minus strand). Cytogenetic location: 17q21.31.
Variant type: single nucleotide variant.
Coding change: c.827C>T on transcript NM_007294.4 (MANE Select); coding-DNA position 827, C replaced by T.
Protein change: p.Thr276Ile; replaces threonine 276 with isoleucine.
Molecular consequence: missense variant. On other transcripts: intron variant (137), 5 prime UTR variant (2).
Genome position (GRCh38, 1-based): chr17:43,094,704, G>A on the plus strand (C>T on the coding strand, the complement: BRCA1 is on the minus strand). VCF-style: chr17-43094704-G-A. GRCh37 (hg19) VCF-style: chr17-41246721-G-A.
Other names: c.787+40C>T (NM_001407973.1, NM_001408403.1, NM_001407983.1 and 19 more transcripts); c.404-3672C>T (NM_001408511.1); c.646+40C>T (NM_001408457.1, NM_001408460.1, NM_001408454.1 and 11 more transcripts); c.520+40C>T (NM_001408505.1, NM_001408504.1, NM_001408503.1); c.460+1142C>T (NM_001408507.1, NM_001408506.1); c.545-3672C>T (NM_001408495.1); c.661+40C>T (NM_001408448.1, NM_001408445.1, NM_001408432.1 and 6 more transcripts); c.667+1142C>T (NM_001408421.1, NM_001408431.1, NM_001408424.1); and 40 more; short protein forms T108I, T148I, T149I, T164I, T165I, T187I, T188I, T205I.
Identifiers: ClinVar variation 1709638 (VCV001709638.7), dbSNP rs80357436, ClinGen allele CA10600430.

ClinVar aggregate classification (germline): Conflicting classifications of pathogenicity. Review status: criteria provided, conflicting classifications (1 of 4 stars). 5 submissions from 5 submitters: Uncertain significance (3); Likely benign (2). Last evaluated 2024-10-20.

Conditions:
Hereditary cancer-predisposing syndrome. Also called: Neoplastic Syndromes, Hereditary; Tumor predisposition; Hereditary Cancer Syndrome; Hereditary neoplastic syndrome. Identifiers: Orphanet 140162, MedGen C0027672, MeSH D009386, MONDO:0015356.
Hereditary breast ovarian cancer syndrome. Also called: Hereditary breast and ovarian cancer syndrome; Hereditary breast and ovarian cancer syndrome (HBOC); Breast and ovarian cancer; Hereditary breast and/or ovarian cancer syndrome; Hereditary breast and ovarian cancer; BRCA1- and BRCA2-Associated Hereditary Breast and Ovarian Cancer. Identifiers: Orphanet 145, MedGen C0677776, MeSH D061325, MONDO:0003582. Disease mechanism: loss of function.
Familial cancer of breast. Also called: Hereditary breast cancer; BREAST CANCER, FAMILIAL; hereditary breast carcinoma. Identifiers: Orphanet 227535, MedGen C0346153, MONDO:0016419, OMIM 114480. Disease mechanism: loss of function.

Submissions (5):

Labcorp Genetics (formerly Invitae), Labcorp
Classification: Uncertain significance for Hereditary breast ovarian cancer syndrome. Last evaluated: 2024-10-20. Review status: criteria provided, single submitter. Criteria: Invitae Variant Classification Sherloc (09022015). Collection method: clinical testing. Allele origin: germline.
Comment: This sequence change replaces threonine, which is neutral and polar, with isoleucine, which is neutral and non-polar, at codon 276 of the BRCA1 protein (p.Thr276Ile). This variant is not present in population databases (gnomAD no frequency). This variant has not been reported in the literature in individuals affected with BRCA1-related conditions. ClinVar contains an entry for this variant (Variation ID: 1709638). Invitae Evidence Modeling of protein sequence and biophysical properties (such as structural, functional, and spatial information, amino acid conservation, physicochemical variation, residue mobility, and thermodynamic stability) indicates that this missense variant is not expected to disrupt BRCA1 protein function with a negative predictive value of 80%. In summary, the available evidence is currently insufficient to determine the role of this variant in disease. Therefore, it has been classified as a Variant of Uncertain Significance.

MGZ Medical Genetics Center
Classification: Likely benign for Familial cancer of breast. Last evaluated: 2024-02-09. Review status: criteria provided, single submitter. Criteria: CSpec BRCA1/2ACMG Rules Specifications V1.1.0. Collection method: clinical testing. Allele origin: germline. Affected: yes.
Comment: ACMG codes applied following ENIGMA VCEP rules: BP1_STR, PM2_SUP

University of Washington Department of Laboratory Medicine, University of Washington
Classification: Likely benign for Hereditary cancer-predisposing syndrome. Last evaluated: 2023-03-23. Review status: criteria provided, single submitter. Criteria: Dines et al. (Genet Med. 2020). Collection method: curation. Allele origin: germline.
Comment: Missense variant in a coldspot region where missense variants are very unlikely to be pathogenic (PMID:31911673).

BRCA1 coldspot (exon 11 using historical exon numbering). Reclassification based on statistical prior probability

Ambry Genetics
Classification: Uncertain significance for Hereditary cancer-predisposing syndrome. Last evaluated: 2022-12-28. Review status: criteria provided, single submitter. Criteria: Ambry Variant Classification Scheme 2023. Collection method: clinical testing. Allele origin: germline.
Comment: The p.T276I variant (also known as c.827C>T), located in coding exon 9 of the BRCA1 gene, results from a C to T substitution at nucleotide position 827. The threonine at codon 276 is replaced by isoleucine, an amino acid with similar properties. This amino acid position is well conserved in available vertebrate species. In addition, the in silico prediction for this alteration is inconclusive. Since supporting evidence is limited at this time, the clinical significance of this alteration remains unclear.

GeneDx
Classification: Uncertain significance. Last evaluated: 2022-10-10. Review status: criteria provided, single submitter. Criteria: GeneDx Variant Classification Process June 2021. Collection method: clinical testing. Allele origin: germline. Affected: yes.
Comment: Not observed at significant frequency in large population cohorts (gnomAD); In silico analysis supports that this missense variant has a deleterious effect on protein structure/function; Has not been previously published as pathogenic or benign to our knowledge; Also known as 946C>T